The following is an entry in ClinVar:

ClinVar aggregate classification (germline): Uncertain significance (1 of 4 stars; one submission).

Conditions:
Developmental and epileptic encephalopathy, 12 (DEE12). Identifiers: MedGen C3150988, MONDO:0013389, OMIM 613722.

gnomAD v4.1: 1 of 1,607,622 alleles (0.000062%); no homozygotes.

Submission:

Labcorp Genetics (formerly Invitae), Labcorp
Classification: Uncertain significance for Developmental and epileptic encephalopathy, 12. Last evaluated: 2021-06-19. Review status: criteria provided, single submitter. Criteria: Invitae Variant Classification Sherloc (09022015). Collection method: clinical testing. Allele origin: germline.
Comment: In summary, the available evidence is currently insufficient to determine the role of this variant in disease. Therefore, it has been classified as a Variant of Uncertain Significance. Algorithms developed to predict the effect of missense changes on protein structure and function (SIFT, PolyPhen-2, Align-GVGD) all suggest that this variant is likely to be tolerated. This variant has not been reported in the literature in individuals affected with PLCB1-related conditions. This variant is not present in population databases (ExAC no frequency). This sequence change replaces proline with leucine at codon 848 of the PLCB1 protein (p.Pro848Leu). The proline residue is moderately conserved and there is a moderate physicochemical difference between proline and leucine.

NM_015192.4(PLCB1):c.2543C>T (p.Pro848Leu)

Gene: PLCB1 (phospholipase C beta 1; plus strand). Cytogenetic location: 20p12.3.
Variant type: single nucleotide variant.
Coding change: c.2543C>T on transcript NM_015192.4 (MANE Select); coding-DNA position 2543, C replaced by T.
Protein change: p.Pro848Leu; replaces proline 848 with leucine.
Molecular consequence: missense variant.
Genome position (GRCh38, 1-based): chr20:8,757,065, C>T. VCF-style: chr20-8757065-C-T. GRCh37 (hg19) VCF-style: chr20-8737712-C-T.
Other names: c.2543C>T, p.Pro848Leu (NM_182734.3); short protein forms P848L.
Identifiers: ClinVar variation 1514368 (VCV001514368.8), dbSNP rs2123562586, ClinGen allele CA408206914.
Genomic context (GRCh38, chr20:8,757,065, plus strand): 5'-AAAAAGAAATGTGGAAAATGAAAGGATATTTATAATTTTAGGCTGATCCTGGAGAAACAC[C>T]ATCAGAGGCTCCAAGTGAAGCGAGAACGACTCCAGCAGAAAATGGGGTGAATCACACTAC-3'
Protein context (NP_056007.1, residues 838-858): VKKEADPGET[Pro848Leu]SEAPSEARTT